The following is an entry in ClinVar:

NM_000128.4(F11):c.*296G>C

Genes: F11 (coagulation factor XI; plus strand), F11-AS1 (F11 antisense RNA 1; minus strand). Cytogenetic location: 4q35.2.
Variant type: single nucleotide variant.
Coding change: c.*296G>C on transcript NM_000128.4 (MANE Select); 296 bases downstream of the stop codon, G replaced by C.
Molecular consequence: 3 prime UTR variant. On other transcripts: non-coding transcript variant (1).
Genome position (GRCh38, 1-based): chr4:186,288,910, G>C. VCF-style: chr4-186288910-G-C. GRCh37 (hg19) VCF-style: chr4-187210064-G-C.
Identifiers: ClinVar variation 348383 (VCV000348383.11), dbSNP rs4253430, ClinGen allele CA10617554.

ClinVar aggregate classification (germline): Benign. Review status: criteria provided, multiple submitters, no conflicts (2 of 4 stars). 4 submissions from 4 submitters: Benign (4). Last evaluated 2024-09-30.

Conditions:
Hereditary factor XI deficiency disease. Also called: PLASMA THROMBOPLASTIN ANTECEDENT DEFICIENCY; PTA DEFICIENCY; ROSENTHAL SYNDROME; Congenital factor XI deficiency. Identifiers: Orphanet 329, MedGen C0015523, MeSH D005173, MONDO:0012897, OMIM 612416.

Allele frequency attached by ClinVar (database versions not stated): 1000 Genomes Project 0.38618; 1000 Genomes Project 30x 0.39101; gnomAD 0.39509 and 0.39990; TOPMed 0.40737.
gnomAD v4.1: 138,663 of 369,930 alleles (37%); highest among the groups gnomAD compares: African/African-American, 51%; 27,378 homozygotes.

Submissions (4):

Labcorp Genetics (formerly Invitae), Labcorp
Classification: Benign. Last evaluated: 2024-09-30. Review status: criteria provided, single submitter. Criteria: Invitae Variant Classification Sherloc (09022015). Collection method: clinical testing. Allele origin: germline.

GeneDx
Classification: Benign. Last evaluated: 2018-11-11. Review status: criteria provided, single submitter. Criteria: GeneDx Variant Classification Process June 2021. Collection method: clinical testing. Allele origin: germline. Affected: yes.
Comment: This variant is associated with the following publications: (PMID: 28444748)

Illumina Laboratory Services, Illumina
Classification: Benign for Hereditary factor XI deficiency disease. Last evaluated: 2018-01-13. Review status: criteria provided, single submitter. Criteria: ICSL Variant Classification Criteria 13 December 2019. Collection method: clinical testing. Allele origin: germline.
Comment: This variant was observed in the ICSL laboratory as part of a predisposition screen in an ostensibly healthy population. It had not been previously curated by ICSL or reported in the Human Gene Mutation Database (HGMD: prior to June 1st, 2018), and was therefore a candidate for classification through an automated scoring system. Utilizing variant allele frequency, disease prevalence and penetrance estimates, and inheritance mode, an automated score was calculated to assess if this variant is too frequent to cause the disease. Based on the score and internal cut-off values, a variant classified as benign is not then subjected to further curation. The score for this variant resulted in a classification of benign for this disease.

Breakthrough Genomics
Classification: Benign. Review status: criteria provided, single submitter. Criteria: ACMG Guidelines, 2015. Collection method: not provided. Allele origin: germline. Inheritance: Unknown mechanism. Affected: yes.